The following is an entry in ClinVar:

NM_138383.3(MTSS2):c.1830G>A (p.Ala610=)

Gene: MTSS2 (MTSS I-BAR domain containing 2; minus strand). Cytogenetic location: 16q22.1.
Variant type: single nucleotide variant.
Coding change: c.1830G>A on transcript NM_138383.3 (MANE Select); coding-DNA position 1830, G replaced by A.
Protein change: p.Ala610=; no amino-acid change (alanine 610 retained).
Molecular consequence: synonymous variant.
Genome position (GRCh38, 1-based): chr16:70,664,091, C>T on the plus strand (G>A on the coding strand, the complement: MTSS2 is on the minus strand). VCF-style: chr16-70664091-C-T. GRCh37 (hg19) VCF-style: chr16-70697994-C-T.
Identifiers: ClinVar variation 4872304 (VCV004872304.2).

ClinVar aggregate classification (germline): Likely benign (1 of 4 stars; one submission).

Submission:

CeGaT Center for Human Genetics Tuebingen
Classification: Likely benign. Last evaluated: 2026-06-01. Review status: criteria provided, single submitter. Criteria: CeGaT Center For Human Genetics Tuebingen Variant Classification Criteria Version 2. Collection method: clinical testing. Allele origin: germline. Affected: yes. Observed: 2 variant alleles.
Comment: MTSS2: BP4, BP7